The following is an entry in ClinVar:

ClinVar aggregate classification (germline): Uncertain significance. Review status: criteria provided, multiple submitters, no conflicts (2 of 4 stars). 3 submissions from 3 submitters: Uncertain significance (3). Last evaluated 2026-08-24.

Conditions:
Autosomal recessive limb-girdle muscular dystrophy type 2J (LGMDR10). Also called: Limb-girdle muscular dystrophy, type 2J; MUSCULAR DYSTROPHY, LIMB-GIRDLE, AUTOSOMAL RECESSIVE 10. Identifiers: Orphanet 140922, MedGen C1837342, MONDO:0012127, OMIM 608807.
Dilated cardiomyopathy 1G (CMD1G). Identifiers: Orphanet 154, MedGen C1858763, MONDO:0011400, OMIM 604145.
TTN-related disorder. Also called: TTN-related condition; TTN-related disease; TTN-related disorders.

Allele frequency attached by ClinVar (database versions not stated): gnomAD exomes below 0.00001; gnomAD 0.00001; TOPMed 0.00001.
gnomAD v4.1: 17 of 1,613,792 alleles (0.0011%); highest among the groups gnomAD compares: Middle Eastern, 0.016%; no homozygotes.

Submissions (3):

PreventionGenetics, part of Exact Sciences
Classification: Uncertain significance for TTN-related condition. Last evaluated: 2026-08-24. Review status: criteria provided, single submitter. Criteria: ACMG Guidelines, 2015. Collection method: clinical testing. Allele origin: germline.
Comment: The TTN c.88667G>A variant is predicted to result in the amino acid substitution p.Arg29556Gln. To our knowledge, this variant has not been reported in the literature. This variant is reported in 1 allele out of 248,714 alleles in gnomAD. At this time, the clinical significance of this variant is uncertain due to the absence of conclusive functional and genetic evidence.

Revvity Omics, Revvity
Classification: Uncertain significance. Last evaluated: 2024-10-15. Review status: criteria provided, single submitter. Criteria: ACMG Guidelines, 2015. Collection method: clinical testing. Allele origin: germline.

Labcorp Genetics (formerly Invitae), Labcorp
Classification: Uncertain significance for Dilated cardiomyopathy 1G; Autosomal recessive limb-girdle muscular dystrophy type 2J. Last evaluated: 2017-12-13. Review status: criteria provided, single submitter. Criteria: Invitae Variant Classification Sherloc (09022015). Collection method: clinical testing. Allele origin: germline.
Comment: This sequence change replaces arginine with glutamine at codon 29556 of the TTN protein (p.Arg29556Gln). There is a small physicochemical difference between arginine and glutamine. This variant is not present in population databases (ExAC no frequency) and has not been reported in the literature in individuals with a TTN-related disease. This variant identified in the TTN gene is located in the A band of the resulting protein (PMID: 25589632). It is unclear how this variant impacts the function of this protein. Algorithms developed to predict the effect of missense changes on protein structure and function are unavailable for the TTN gene. The glutamine amino acid residue is found in multiple mammalian species, suggesting that this missense change does not adversely affect protein function. These predictions have not been confirmed by published functional studies. Algorithms developed to predict the effect of sequence changes on RNA splicing suggest that this variant may alter RNA splicing, but this prediction has not been confirmed by published transcriptional studies. In summary, this variant is a novel missense change with uncertain impact on protein function. It has been classified as a Variant of Uncertain Significance.

Literature cited by the submitters: PubMed 25589632 (cited by Labcorp Genetics (formerly Invitae), Labcorp).

NM_001267550.2(TTN):c.88667G>A (p.Arg29556Gln)

Genes: TTN (titin; minus strand), TTN-AS1 (TTN antisense RNA 1; plus strand). Cytogenetic location: 2q31.2.
Variant type: single nucleotide variant.
Coding change: c.88667G>A on transcript NM_001267550.2 (MANE Select); coding-DNA position 88667, G replaced by A.
Protein change: p.Arg29556Gln; replaces arginine 29556 with glutamine.
Molecular consequence: missense variant.
Genome position (GRCh38, 1-based): chr2:178,554,680, C>T on the plus strand (G>A on the coding strand, the complement: TTN is on the minus strand). VCF-style: chr2-178554680-C-T. GRCh37 (hg19) VCF-style: chr2-179419407-C-T.
Other names: c.83744G>A, p.Arg27915Gln (NM_001256850.1); c.61472G>A, p.Arg20491Gln (NM_003319.4); c.80963G>A, p.Arg26988Gln (NM_133378.4); c.61847G>A, p.Arg20616Gln (NM_133432.3); c.62048G>A, p.Arg20683Gln (NM_133437.4); short protein forms R29556Q, R26988Q, R27915Q, R20491Q, R20616Q, R20683Q.
Identifiers: ClinVar variation 467606 (VCV000467606.5), dbSNP rs1207034709, ClinGen allele CA349525910.